The following is an entry in ClinVar:

ClinVar aggregate classification (germline): Likely benign (1 of 4 stars; one submission).

Allele frequency attached by ClinVar (database versions not stated): 1000 Genomes Project 30x 0.00406; 1000 Genomes Project 0.00459.
gnomAD v4.1: 11,361 of 1,614,070 alleles (0.7%); highest among the groups gnomAD compares: Non-Finnish European, 0.83%; 57 homozygotes.

Submission:

CeGaT Center for Human Genetics Tuebingen
Classification: Likely benign. Last evaluated: 2022-10-01. Review status: criteria provided, single submitter. Criteria: CeGaT Center For Human Genetics Tuebingen Variant Classification Criteria Version 2. Collection method: clinical testing. Allele origin: germline. Affected: yes. Observed: 1 variant allele.
Comment: OR8B8: BP4, BP7, BS2

NM_012378.2(OR8B8):c.483G>C (p.Ala161=)

Gene: OR8B8 (olfactory receptor family 8 subfamily B member 8; minus strand). Cytogenetic location: 11q24.2.
Variant type: single nucleotide variant.
Coding change: c.483G>C on transcript NM_012378.2 (MANE Select); coding-DNA position 483, G replaced by C.
Protein change: p.Ala161=; no amino-acid change (alanine 161 retained).
Molecular consequence: synonymous variant.
Genome position (GRCh38, 1-based): chr11:124,440,603, C>G on the plus strand (G>C on the coding strand, the complement: OR8B8 is on the minus strand). VCF-style: chr11-124440603-C-G. GRCh37 (hg19) VCF-style: chr11-124310499-C-G.
Identifiers: ClinVar variation 2642496 (VCV002642496.24), dbSNP rs74383090, ClinGen allele CA6340007.
Genomic context (GRCh38, chr11:124,440,603, plus strand): 5'-GATGTCACACATGTAGTGGTTGACAAGGTTATTGGCACAGAAGGTCACACCCATCATGCA[C>G]GCTGTGTGGGCCATGGCCCCAGCAAACCCCATCCCATAGACACCCAACAAAAGGAGAAAA-3'
Protein context (NP_036510.1, residues 151-171): MGFAGAMAHT[Ala161=]CMMGVTFCAN